The following is an entry in ClinVar:

NM_031935.3(HMCN1):c.16235G>C (p.Arg5412Thr)

Gene: HMCN1 (hemicentin 1; plus strand). Cytogenetic location: 1q31.1.
Variant type: single nucleotide variant.
Coding change: c.16235G>C on transcript NM_031935.3 (MANE Select); coding-DNA position 16235, G replaced by C.
Protein change: p.Arg5412Thr; replaces arginine 5412 with threonine.
Molecular consequence: missense variant.
Genome position (GRCh38, 1-based): chr1:186,178,707, G>C. VCF-style: chr1-186178707-G-C. GRCh37 (hg19) VCF-style: chr1-186147839-G-C.
Other names: short protein forms R5412T.
Identifiers: ClinVar variation 4707735 (VCV004707735.1).

ClinVar aggregate classification (germline): Uncertain significance (1 of 4 stars; one submission).

Submission:

Labcorp Genetics (formerly Invitae), Labcorp
Classification: Uncertain significance. Last evaluated: 2025-05-08. Review status: criteria provided, single submitter. Criteria: Invitae Variant Classification Sherloc (09022015). Collection method: clinical testing. Allele origin: germline.
Comment: This sequence change replaces arginine, which is basic and polar, with threonine, which is neutral and polar, at codon 5412 of the HMCN1 protein (p.Arg5412Thr). This variant is not present in population databases (gnomAD no frequency). This variant has not been reported in the literature in individuals affected with HMCN1-related conditions. An algorithm developed to predict the effect of missense changes on protein structure and function (PolyPhen-2) suggests that this variant is likely to be tolerated. In summary, the available evidence is currently insufficient to determine the role of this variant in disease. Therefore, it has been classified as a Variant of Uncertain Significance.